The following is an entry in ClinVar:

ClinVar aggregate classification (germline): Conflicting classifications of pathogenicity. Review status: criteria provided, conflicting classifications (1 of 4 stars). 3 submissions from 3 submitters: Pathogenic (1); Likely pathogenic (1); Uncertain significance (1). Last evaluated 2026-02-09.

Conditions:
Medium-chain acyl-coenzyme A dehydrogenase deficiency (ACADMD). Also called: CARNITINE DEFICIENCY SECONDARY TO MEDIUM-CHAIN ACYL-CoA DEHYDROGENASE DEFICIENCY; Medium chain acyl-CoA dehydrogenase deficiency; MCAD Deficiency; ACADM DEFICIENCY; MCADH DEFICIENCY; MCADD. Identifiers: Orphanet 42, MedGen C0220710, MONDO:0008721, OMIM 201450.

Allele frequency attached by ClinVar (database versions not stated): gnomAD exomes below 0.00001; ExAC 0.00001.

Submissions (3):

Myriad Genetics, Inc.
Classification: Uncertain significance for Medium-chain acyl-coenzyme A dehydrogenase deficiency. Last evaluated: 2026-02-09. Review status: criteria provided, single submitter. Criteria: Myriad Autosomal Dominant, Autosomal Recessive and X-Linked Classification Criteria (2023). Collection method: clinical testing. Allele origin: unknown.
Comment: NM_000016.4(ACADM):c.260T>C(M87T) is a missense variant classified as a variant of uncertain significance in the context of medium-chain acyl-CoA dehydrogenase deficiency. M87T has been observed in cases with relevant disease (PMID: 18767270, 22542437). Relevant functional assessments of this variant are not available in the literature. M87T has not been observed in referenced population frequency databases. In summary, there is insufficient evidence to classify NM_000016.4(ACADM):c.260T>C(M87T) as pathogenic or benign. Please note: this variant was assessed in the context of healthy population screening.

Labcorp Genetics (formerly Invitae), Labcorp
Classification: Pathogenic for Medium-chain acyl-coenzyme A dehydrogenase deficiency. Last evaluated: 2026-02-01. Review status: criteria provided, single submitter. Criteria: Invitae Variant Classification Sherloc (09022015). Collection method: clinical testing. Allele origin: germline.
Comment: This sequence change replaces methionine, which is neutral and non-polar, with threonine, which is neutral and polar, at codon 87 of the ACADM protein (p.Met87Thr). This variant is present in population databases (rs767649048, gnomAD 0.0009%). This missense change has been observed in individual(s) with medium-chain acyl-CoA dehydrogenase deficiency (PMID: 18767270, 22542437; internal data). In at least one individual the data is consistent with being in trans (on the opposite chromosome) from a pathogenic variant. This variant is also known as p.M62T. ClinVar contains an entry for this variant (Variation ID: 1456808). Invitae Evidence Modeling of protein sequence and biophysical properties (such as structural, functional, and spatial information, amino acid conservation, physicochemical variation, residue mobility, and thermodynamic stability) indicates that this missense variant is not expected to disrupt ACADM protein function with a negative predictive value of 80%. For these reasons, this variant has been classified as Pathogenic.

Baylor Genetics
Classification: Likely pathogenic for Medium-chain acyl-coenzyme A dehydrogenase deficiency. Last evaluated: 2024-01-21. Review status: criteria provided, single submitter. Criteria: ACMG Guidelines, 2015. Collection method: clinical testing. Allele origin: unknown.

Literature cited by the submitters: PubMed 18767270 (cited by Myriad Genetics, Inc. and Labcorp Genetics (formerly Invitae), Labcorp); PubMed 22542437 (cited by Myriad Genetics, Inc. and Labcorp Genetics (formerly Invitae), Labcorp).

NM_000016.6(ACADM):c.260T>C (p.Met87Thr)

Gene: ACADM (acyl-CoA dehydrogenase medium chain; plus strand). Cytogenetic location: 1p31.1.
Variant type: single nucleotide variant.
Coding change: c.260T>C on transcript NM_000016.6 (MANE Select); coding-DNA position 260, T replaced by C.
Protein change: p.Met87Thr; replaces methionine 87 with threonine.
Molecular consequence: missense variant. On other transcripts: 5 prime UTR variant (1).
Genome position (GRCh38, 1-based): chr1:75,732,896, T>C. VCF-style: chr1-75732896-T-C. GRCh37 (hg19) VCF-style: chr1-76198581-T-C.
Other names: c.272T>C, p.Met91Thr (NM_001127328.3); c.152T>C, p.Met51Thr (NM_001286042.2); c.260T>C, p.Met87Thr (NM_001286043.2); c.-126T>C (NM_001286044.2); short protein forms M91T, M51T, M87T.
Identifiers: ClinVar variation 1456808 (VCV001456808.11), dbSNP rs767649048, ClinGen allele CA913007.